The following is an entry in ClinVar:

ClinVar aggregate classification (germline): Uncertain significance (1 of 4 stars; one submission).

Submission:

GeneDx
Classification: Uncertain significance. Last evaluated: 2023-11-18. Review status: criteria provided, single submitter. Criteria: GeneDx Variant Classification Process June 2021. Collection method: clinical testing. Allele origin: germline. Affected: yes.
Comment: Not observed at significant frequency in large population cohorts (gnomAD); In silico analysis supports that this missense variant has a deleterious effect on protein structure/function; Has not been previously published as pathogenic or benign to our knowledge

NM_001130438.3(SPTAN1):c.4709A>C (p.Lys1570Thr)

Gene: SPTAN1 (spectrin alpha, non-erythrocytic 1; plus strand). Cytogenetic location: 9q34.11.
Variant type: single nucleotide variant.
Coding change: c.4709A>C on transcript NM_001130438.3 (MANE Select); coding-DNA position 4709, A replaced by C.
Protein change: p.Lys1570Thr; replaces lysine 1570 with threonine.
Molecular consequence: missense variant.
Genome position (GRCh38, 1-based): chr9:128,609,235, A>C. VCF-style: chr9-128609235-A-C. GRCh37 (hg19) VCF-style: chr9-131371514-A-C.
Other names: c.4649A>C, p.Lys1550Thr (NM_001195532.2, NM_001363765.2, NM_001375314.2); c.4709A>C, p.Lys1570Thr (NM_001363759.2, NM_001375310.1, NM_001375311.2 and 2 more transcripts); c.4745A>C, p.Lys1582Thr (NM_001375312.2, NM_001375318.1); short protein forms K1550T, K1570T, K1582T.
Identifiers: ClinVar variation 3364540 (VCV003364540.1).